The following is an entry in ClinVar:

ClinVar aggregate classification (germline): Uncertain significance (1 of 4 stars; one submission).

Allele frequency attached by ClinVar (database versions not stated): TOPMed below 0.00001; gnomAD exomes 0.00001.
gnomAD v4.1: 7 of 1,613,808 alleles (0.00043%); highest among the groups gnomAD compares: Non-Finnish European, 0.00059%; no homozygotes.

Submission:

Labcorp Genetics (formerly Invitae), Labcorp
Classification: Uncertain significance. Last evaluated: 2021-06-20. Review status: criteria provided, single submitter. Criteria: Invitae Variant Classification Sherloc (09022015). Collection method: clinical testing. Allele origin: germline.
Comment: This sequence change replaces threonine with isoleucine at codon 1944 of the KIAA1549 protein (p.Thr1944Ile). The threonine residue is weakly conserved and there is a moderate physicochemical difference between threonine and isoleucine. This variant is not present in population databases (ExAC no frequency). This variant has not been reported in the literature in individuals with KIAA1549-related conditions. Algorithms developed to predict the effect of missense changes on protein structure and function are either unavailable or do not agree on the potential impact of this missense change (SIFT: "Deleterious"; PolyPhen-2: "Benign"; Align-GVGD: "Class C0"). In summary, the available evidence is currently insufficient to determine the role of this variant in disease. Therefore, it has been classified as a Variant of Uncertain Significance.

NM_001164665.2(KIAA1549):c.5831C>T (p.Thr1944Ile)

Gene: KIAA1549 (KIAA1549; minus strand). Cytogenetic location: 7q34.
Variant type: single nucleotide variant.
Coding change: c.5831C>T on transcript NM_001164665.2 (MANE Select); coding-DNA position 5831, C replaced by T.
Protein change: p.Thr1944Ile; replaces threonine 1944 with isoleucine.
Molecular consequence: missense variant.
Genome position (GRCh38, 1-based): chr7:138,837,928, G>A on the plus strand (C>T on the coding strand, the complement: KIAA1549 is on the minus strand). VCF-style: chr7-138837928-G-A. GRCh37 (hg19) VCF-style: chr7-138522673-G-A.
Other names: c.5783C>T, p.Thr1928Ile (NM_020910.3); short protein forms T1928I, T1944I.
Identifiers: ClinVar variation 1512012 (VCV001512012.7), dbSNP rs1370272885, ClinGen allele CA369383025.